The following is an entry in ClinVar:

ClinVar aggregate classification (germline): Pathogenic (1 of 4 stars; one submission).

Submission:

Labcorp Genetics (formerly Invitae), Labcorp
Classification: Pathogenic. Last evaluated: 2023-11-10. Review status: criteria provided, single submitter. Criteria: Invitae Variant Classification Sherloc (09022015). Collection method: clinical testing. Allele origin: germline.
Comment: This sequence change creates a premature translational stop signal (p.Gly30Aspfs*73) in the SYNE4 gene. It is expected to result in an absent or disrupted protein product. Loss-of-function variants in SYNE4 are known to be pathogenic (PMID: 23348741, 28958982). This variant is not present in population databases (gnomAD no frequency). This variant has not been reported in the literature in individuals affected with SYNE4-related conditions. For these reasons, this variant has been classified as Pathogenic.

Literature cited by the submitters: PubMed 23348741; PubMed 28958982.

NM_001039876.3(SYNE4):c.89del (p.Gly30fs)

Gene: SYNE4 (spectrin repeat containing nuclear envelope family member 4; minus strand). Cytogenetic location: 19q13.12.
Variant type: Deletion.
Coding change: c.89del on transcript NM_001039876.3 (MANE Select); coding-DNA position 89, one base deleted (G; older notation c.89delG).
Protein change: p.Gly30fs; shifts the reading frame from glycine 30.
Molecular consequence: frameshift variant.
Genome position (GRCh38, 1-based): chr19:36,008,593, C deleted on the plus strand (G on the coding strand, the reverse complement: SYNE4 is on the minus strand); the first of 2 consecutive C bases (chr19:36,008,593-36,008,594); deleting either gives the same sequence. VCF-style (leftmost placement, unchanged base first): chr19-36008592-TC-T. GRCh37 (hg19) VCF-style: chr19-36499494-TC-T.
Other names: c.89del, p.Gly30fs (NM_001297735.3); short protein forms G30fs.
Identifiers: ClinVar variation 2694675 (VCV002694675.3), dbSNP rs2514052002, ClinGen allele CA2697556491.